The following is an entry in ClinVar:

ClinVar aggregate classification (germline): Uncertain significance (1 of 4 stars; one submission).

Conditions:
Epilepsy, familial focal, with variable foci 3 (FFEVF3). Identifiers: MedGen C4310708, MONDO:0014925, OMIM 617118.

Allele frequency attached by ClinVar (database versions not stated): TOPMed below 0.00001.

Submission:

Labcorp Genetics (formerly Invitae), Labcorp
Classification: Uncertain significance for Epilepsy, familial focal, with variable foci 3. Last evaluated: 2021-12-17. Review status: criteria provided, single submitter. Criteria: Invitae Variant Classification Sherloc (09022015). Collection method: clinical testing. Allele origin: germline.
Comment: This variant is not present in population databases (gnomAD no frequency). In summary, the available evidence is currently insufficient to determine the role of this variant in disease. Therefore, it has been classified as a Variant of Uncertain Significance. Experimental studies and prediction algorithms are not available or were not evaluated, and the functional significance of this variant is currently unknown. This variant has not been reported in the literature in individuals affected with NPRL3-related conditions. This sequence change replaces histidine, which is basic and polar, with tyrosine, which is neutral and polar, at codon 259 of the NPRL3 protein (p.His259Tyr).

NM_001077350.3(NPRL3):c.775C>T (p.His259Tyr)

Genes: HBA-LCR (alpha-globin locus control region; plus strand), NPRL3 (NPR3 like, GATOR1 complex subunit; minus strand). Cytogenetic location: 16p13.3.
Variant type: single nucleotide variant.
Coding change: c.775C>T on transcript NM_001077350.3 (MANE Select); coding-DNA position 775, C replaced by T.
Protein change: p.His259Tyr; replaces histidine 259 with tyrosine.
Molecular consequence: missense variant.
Genome position (GRCh38, 1-based): chr16:98,294, G>A on the plus strand (C>T on the coding strand, the complement: NPRL3 is on the minus strand). VCF-style: chr16-98294-G-A. GRCh37 (hg19) VCF-style: chr16-148292-G-A.
Other names: c.238C>T, p.His80Tyr (NM_001039476.3); c.541C>T, p.His181Tyr (NM_001243247.2); c.700C>T, p.His234Tyr (NM_001243248.2, NM_001243249.2); short protein forms H80Y, H181Y, H234Y, H259Y.
Identifiers: ClinVar variation 2044959 (VCV002044959.4), dbSNP rs1899109930, ClinGen allele CA394055912.